The following is an entry in ClinVar:

ClinVar aggregate classification (germline): Uncertain significance (1 of 4 stars; one submission).

Conditions:
Hereditary cancer-predisposing syndrome. Also called: Tumor predisposition; Hereditary Cancer Syndrome; Hereditary neoplastic syndrome; Neoplastic Syndromes, Hereditary. Identifiers: Orphanet 140162, MedGen C0027672, MeSH D009386, MONDO:0015356.

Submissions (2):

Ambry Genetics
Classification: Uncertain significance for Hereditary cancer-predisposing syndrome. Last evaluated: 2025-08-07. Review status: criteria provided, single submitter. Criteria: Ambry Variant Classification Scheme 2023. Collection method: clinical testing. Allele origin: germline.
Comment: The p.Q1811H variant (also known as c.5433G>C), located in coding exon 21 of the BRCA1 gene, results from a G to C substitution at nucleotide position 5433. The glutamine at codon 1811 is replaced by histidine, an amino acid with highly similar properties. One functional study found that this nucleotide substitution is functional in a high throughput genome editing haploid cell survival assay (Findlay GM et al. Nature, 2018 Oct;562:217-222). This amino acid position is highly conserved in available vertebrate species. In addition, the in silico prediction for this alteration is inconclusive. This nucleotide position is well conserved in available vertebrate species. In silico splice site analysis predicts that this alteration will not have any significant effect on splicing. RNA studies have demonstrated that this alteration results in a splice defect; the clinical impact of this abnormal splicing is unknown at this time (Ambry internal data). Based on the available evidence, the clinical significance of this variant remains unclear.

Brotman Baty Institute, University of Washington
No classification provided (evidence only). Condition: Breast-ovarian cancer, familial 1. Review status: no classification provided. Collection method: in vitro. Allele origin: not applicable. Functional consequence: functionally_normal. Not counted in ClinVar's aggregate classification.
ClinVar note: "not provided" was previously submitted as the classification for the variant. However, the classification appeared to be based only on an observation of functional data so it was converted to no classification on 2025-07-30.

Literature cited by the submitters: PubMed 30209399 (cited by Ambry Genetics).

NM_007294.4(BRCA1):c.5433G>C (p.Gln1811His)

Gene: BRCA1 (BRCA1 DNA repair associated; minus strand). Cytogenetic location: 17q21.31.
Variant type: single nucleotide variant.
Coding change: c.5433G>C on transcript NM_007294.4 (MANE Select); coding-DNA position 5433, G replaced by C.
Protein change: p.Gln1811His; replaces glutamine 1811 with histidine.
Molecular consequence: missense variant. On other transcripts: non-coding transcript variant (1).
Genome position (GRCh38, 1-based): chr17:43,047,677, C>G on the plus strand (G>C on the coding strand, the complement: BRCA1 is on the minus strand). VCF-style: chr17-43047677-C-G. GRCh37 (hg19) VCF-style: chr17-41199694-C-G.
Other names: c.5220G>C, p.Gln1740His (NM_001407571.1, NM_001407894.1, NM_001407895.1 and 12 more transcripts); c.5499G>C, p.Gln1833His (NM_001407581.1, NM_001407582.1); c.5496G>C, p.Gln1832His (NM_001407583.1, NM_001407585.1, NM_001407587.1 and 1 more transcripts); c.5493G>C, p.Gln1831His (NM_001407590.1, NM_001407591.1); c.5433G>C, p.Gln1811His (NM_001407593.1, NM_001407594.1, NM_001407596.1 and 5 more transcripts); c.5430G>C, p.Gln1810His (NM_001407610.1, NM_001407611.1, NM_001407612.1 and 14 more transcripts); c.5427G>C, p.Gln1809His (NM_001407627.1, NM_001407628.1, NM_001407629.1 and 13 more transcripts); c.5424G>C, p.Gln1808His (NM_001407644.1, NM_001407645.1); and 83 more; short protein forms Q1811H, A683P, Q707H, Q1764H, Q1832H, A1739P, Q1514H, Q1642H.
Identifiers: ClinVar variation 479210 (VCV000479210.9), dbSNP rs4438367, ClinGen allele CA10590566.